The following is an entry in ClinVar:

ClinVar aggregate classification (germline): Uncertain significance. Review status: criteria provided, multiple submitters, no conflicts (2 of 4 stars). 3 submissions from 2 submitters: Uncertain significance (3). Last evaluated 2025-12-26.

Conditions:
Infantile convulsions and choreoathetosis (ICCA). Also called: PRRT2-Related Paroxysmal Kinesigenic Dyskinesia with Infantile Convulsions (PKD/IC); PAROXYSMAL KINESIGENIC DYSKINESIA WITH INFANTILE CONVULSIONS. Identifiers: Orphanet 31709, MedGen C1865926, MONDO:0011178, OMIM 602066.
Episodic kinesigenic dyskinesia (EKD). Also called: Paroxysmal kinesigenic dyskinesia. Identifiers: Orphanet 98809, MedGen C1868682, MONDO:0044202.
Hyperactivity. Identifiers: MedGen C0424295, HP:0000752.
Seizure. Also called: Seizures. Identifiers: MedGen C0036572, HP:0001250.
Global developmental delay (DD). Also called: Cognitive delay. Identifiers: MedGen C0557874, HP:0001263. Disease mechanism: loss of function.
Profound intellectual disability. Identifiers: MedGen C3161330, HP:0002187.

Submissions (3):

Labcorp Genetics (formerly Invitae), Labcorp
Classification: Uncertain significance for Episodic kinesigenic dyskinesia. Last evaluated: 2025-12-26. Review status: criteria provided, single submitter. Criteria: Invitae Variant Classification Sherloc (09022015). Collection method: clinical testing. Allele origin: germline.
Comment: This sequence change replaces glutamic acid, which is acidic and polar, with glycine, which is neutral and non-polar, at codon 225 of the PRRT2 protein (p.Glu225Gly). This variant is present in population databases (no rsID available, gnomAD 0.007%). This variant has not been reported in the literature in individuals affected with PRRT2-related conditions. ClinVar contains an entry for this variant (Variation ID: 374089). Invitae Evidence Modeling of protein sequence and biophysical properties (such as structural, functional, and spatial information, amino acid conservation, physicochemical variation, residue mobility, and thermodynamic stability) indicates that this missense variant is not expected to disrupt PRRT2 protein function with a negative predictive value of 95%. In summary, the available evidence is currently insufficient to determine the role of this variant in disease. Therefore, it has been classified as a Variant of Uncertain Significance.

Centre for Mendelian Genomics, University Medical Centre Ljubljana
Classification: Uncertain significance for Infantile convulsions and choreoathetosis. Last evaluated: 2016-01-01. Review status: criteria provided, single submitter. Criteria: ACMG Guidelines, 2015. Collection method: clinical testing. Allele origin: unknown. Affected: yes.
Comment: This variant was classified as: Uncertain significance.

Centre for Mendelian Genomics, University Medical Centre Ljubljana
Classification: Uncertain significance for Global developmental delay; Hyperactivity; Profound intellectual disability; Seizure. Last evaluated: 2014-02-11. Review status: criteria provided, single submitter. Criteria: ACMG Guidelines, 2015. Collection method: clinical testing. Allele origin: unknown. Affected: yes.

NM_145239.3(PRRT2):c.674A>G (p.Glu225Gly)

Genes: MVP-DT (MVP divergent transcript; minus strand), PRRT2 (proline rich transmembrane protein 2; plus strand). Cytogenetic location: 16p11.2.
Variant type: single nucleotide variant.
Coding change: c.674A>G on transcript NM_145239.3 (MANE Select); coding-DNA position 674, A replaced by G.
Protein change: p.Glu225Gly; replaces glutamic acid 225 with glycine.
Molecular consequence: missense variant.
Genome position (GRCh38, 1-based): chr16:29,813,728, A>G. VCF-style: chr16-29813728-A-G. GRCh37 (hg19) VCF-style: chr16-29825049-A-G.
Other names: c.674A>G, p.Glu225Gly (NM_001256442.2, NM_001256443.2); short protein forms E225G.
Identifiers: ClinVar variation 374089 (VCV000374089.5), dbSNP rs1057518890, ClinGen allele CA16043511.